The following is an entry in ClinVar:

NM_000363.5(TNNI3):c.373-10=

Gene: TNNI3 (troponin I3, cardiac type; minus strand). Cytogenetic location: 19q13.42.
Variant type: single nucleotide variant.
Coding change: c.373-10= on transcript NM_000363.5 (MANE Select); 10 bases into the intron before coding-DNA position 373, no change from the reference sequence.
Molecular consequence: intron variant.
Genome position: GRCh38 VCF-style: chr19-55154216-C-C. GRCh37 (hg19) VCF-style: chr19-55665584-A-C.
Identifiers: ClinVar variation 36881 (VCV000036881.36), dbSNP rs7252610.

ClinVar aggregate classification (germline): Conflicting classifications of pathogenicity. Review status: criteria provided, conflicting classifications (1 of 4 stars). 16 submissions from 13 submitters: Uncertain significance (1); Benign (10); Likely benign (1). 4 of the submissions do not count toward it. Last evaluated 2026-02-04.

Conditions:
Familial Hypertrophic Cardiomyopathy with Wolff-Parkinson-White Syndrome. Identifiers: MedGen CN239247.
Cardiomyopathy (CMYO). Also called: Cardiomyopathies. Identifiers: Orphanet 167848, MedGen C0878544, MONDO:0004994, HP:0001638. Inheritance: Various modes of inheritance.
Hypertrophic cardiomyopathy 7. Also called: TNNI3-Related Familial Hypertrophic Cardiomyopathy; Familial hypertrophic cardiomyopathy 7; CARDIOMYOPATHY, FAMILIAL HYPERTROPHIC, 7, MODIFIER OF. Identifiers: MedGen C1860752, MONDO:0013369, OMIM 613690.
Cardiomyopathy, familial restrictive, 1. Identifiers: Orphanet 75249, MedGen C1861861, MONDO:0007270, OMIM 115210.
Dilated cardiomyopathy 2A (CMD2A). Also called: CARDIOMYOPATHY, CONGESTIVE, AUTOSOMAL RECESSIVE; CARDIOMYOPATHY, DILATED, AUTOSOMAL RECESSIVE. Identifiers: Orphanet 154, MedGen C2678474, MONDO:0012746, OMIM 611880.
Primary familial hypertrophic cardiomyopathy (HCM). Identifiers: Orphanet 99739, MedGen C0949658, MeSH D024741, MONDO:0024573. Inheritance: Various modes of inheritance.
Hypertrophic cardiomyopathy. Also called: HYPERTROPHIC MYOCARDIOPATHY. Identifiers: Orphanet 217569, MedGen C0007194, MeSH D002312, MONDO:0005045, HP:0001639.

Allele frequency attached by ClinVar (database versions not stated): TOPMed 1.00000; gnomAD 0.99999.

Submissions (17):

Labcorp Genetics (formerly Invitae), Labcorp
Classification: Benign for Hypertrophic cardiomyopathy. Last evaluated: 2026-02-04. Review status: criteria provided, single submitter. Criteria: Invitae Variant Classification Sherloc (09022015). Collection method: clinical testing. Allele origin: germline.

Blueprint Genetics
Classification: Benign. Last evaluated: 2024-11-28. Review status: criteria provided, single submitter. Criteria: ACMG Guidelines, 2015. Collection method: clinical testing. Allele origin: germline.

Color Diagnostics, LLC DBA Color Health
Classification: Benign for Cardiomyopathy. Last evaluated: 2018-03-19. Review status: criteria provided, single submitter. Criteria: ACMG Guidelines, 2015. Collection method: clinical testing. Allele origin: germline.

Illumina Laboratory Services, Illumina
Classification: Benign for Cardiomyopathy, familial restrictive, 1. Last evaluated: 2018-01-12. Review status: criteria provided, single submitter. Criteria: ICSL Variant Classification Criteria 13 December 2019. Collection method: clinical testing. Allele origin: germline.
Comment: This variant was observed in the ICSL laboratory as part of a predisposition screen in an ostensibly healthy population. It had not been previously curated by ICSL or reported in the Human Gene Mutation Database (HGMD: prior to June 1st, 2018), and was therefore a candidate for classification through an automated scoring system. Utilizing variant allele frequency, disease prevalence and penetrance estimates, and inheritance mode, an automated score was calculated to assess if this variant is too frequent to cause the disease. Based on the score and internal cut-off values, a variant classified as benign is not then subjected to further curation. The score for this variant resulted in a classification of benign for this disease.

Illumina Laboratory Services, Illumina
Classification: Benign for Familial Hypertrophic Cardiomyopathy with Wolff-Parkinson-White Syndrome. Last evaluated: 2018-01-12. Review status: criteria provided, single submitter. Criteria: ICSL Variant Classification Criteria 13 December 2019. Collection method: clinical testing. Allele origin: germline.
Comment: the same text as in the submission from Illumina Laboratory Services, Illumina above.

Illumina Laboratory Services, Illumina
Classification: Benign for Hypertrophic cardiomyopathy 7. Last evaluated: 2018-01-12. Review status: criteria provided, single submitter. Criteria: ICSL Variant Classification Criteria 13 December 2019. Collection method: clinical testing. Allele origin: germline.
Comment: the same text as in the submission from Illumina Laboratory Services, Illumina above.

Illumina Laboratory Services, Illumina
Classification: Benign for Dilated cardiomyopathy 2A. Last evaluated: 2018-01-12. Review status: criteria provided, single submitter. Criteria: ICSL Variant Classification Criteria 13 December 2019. Collection method: clinical testing. Allele origin: germline.
Comment: the same text as in the submission from Illumina Laboratory Services, Illumina above.

CHEO Genetics Diagnostic Laboratory, Children's Hospital of Eastern Ontario
Classification: Uncertain significance for Cardiomyopathy. Last evaluated: 2015-07-14. Review status: criteria provided, single submitter. Criteria: ACMG Guidelines, 2015. Collection method: clinical testing. Allele origin: germline. Study: Canadian Open Genetics Repository.

GeneDx
Classification: Benign. Last evaluated: 2012-09-25. Review status: criteria provided, single submitter. Criteria: GeneDx Variant Classification (06012015). Collection method: clinical testing. Allele origin: germline. Affected: yes.
Comment: This variant is considered likely benign or benign based on one or more of the following criteria: it is a conservative change, it occurs at a poorly conserved position in the protein, it is predicted to be benign by multiple in silico algorithms, and/or has population frequency not consistent with disease.

Laboratory for Molecular Medicine, Mass General Brigham Personalized Medicine
Classification: Likely benign. Last evaluated: 2012-04-11. Review status: criteria provided, single submitter. Criteria: LMM Criteria. Collection method: clinical testing. Allele origin: germline. Observed: 3,163 variant alleles.

Women's Health and Genetics/Laboratory Corporation of America, LabCorp
Classification: Benign for Hypertrophic Cardiomyopathy. Last evaluated: 2011-08-18. Review status: criteria provided, single submitter. Criteria: LabCorp Variant Classification Summary - May 2015. Collection method: curation, clinical testing. Allele origin: germline. Inheritance: autosomal unknown. Affected: yes.
ClinVar note: Converted during submission from benign to Benign.

PreventionGenetics, part of Exact Sciences
Classification: Benign. Review status: criteria provided, single submitter. Criteria: ACMG Guidelines, 2015. Collection method: clinical testing. Allele origin: germline.

Clinical Genetics, Academic Medical Center
Classification: Benign. Review status: no assertion criteria provided. Collection method: clinical testing. Allele origin: germline. Affected: yes. Study: VKGL Data-share Consensus. Not counted in ClinVar's aggregate classification.

Diagnostic Laboratory, Department of Genetics, University Medical Center Groningen
Classification: Benign. Review status: no assertion criteria provided. Collection method: clinical testing. Allele origin: germline. Affected: yes. Study: VKGL Data-share Consensus. Not counted in ClinVar's aggregate classification.

Dr. Peter K. Rogan Lab, Western University
No classification provided (evidence only). Condition: Familial cancer of breast. Review status: no classification provided. Collection method: in vitro. Allele origin: not applicable. Functional consequence: retained intron. Not counted in ClinVar's aggregate classification.

Genome Diagnostics Laboratory, University Medical Center Utrecht
Classification: Likely benign. Review status: no assertion criteria provided. Collection method: clinical testing. Allele origin: germline. Affected: yes. Study: VKGL Data-share Consensus. Not counted in ClinVar's aggregate classification.

Joint Genome Diagnostic Labs from Nijmegen and Maastricht, Radboudumc and MUMC+
Classification: Benign. Review status: no assertion criteria provided. Collection method: clinical testing. Allele origin: germline. Affected: yes. Study: VKGL Data-share Consensus. Not counted in ClinVar's aggregate classification.